The following is an entry in ClinVar:

NM_033656.4(BRWD1):c.3096A>G (p.Gly1032=)

Gene: BRWD1 (bromodomain and WD repeat domain containing 1; minus strand). Cytogenetic location: 21q22.2.
Variant type: single nucleotide variant.
Coding change: c.3096A>G on transcript NM_033656.4 (MANE Select); coding-DNA position 3096, A replaced by G.
Protein change: p.Gly1032=; no amino-acid change (glycine 1032 retained).
Molecular consequence: synonymous variant.
Genome position (GRCh38, 1-based): chr21:39,229,341, T>C on the plus strand (A>G on the coding strand, the complement: BRWD1 is on the minus strand). VCF-style: chr21-39229341-T-C. GRCh37 (hg19) VCF-style: chr21-40601267-T-C.
Other names: c.3096A>G, p.Gly1032= (NM_018963.5).
Identifiers: ClinVar variation 3053523 (VCV003053523.2), dbSNP rs73906154, ClinGen allele CA10027071.
Genomic context (GRCh38, chr21:39,229,341, plus strand): 5'-AAGTAATTCCATTTTAAAAAATAATACATACCTAATAGAGAAAGATTTGTCCATAAGTTT[T>C]CCAGTTGCTGGATCTATAAATGCTAGTTTTAGGCAACAGAGTGTAGGGGGCCCAACTTCA-3'
Protein context (NP_387505.1, residues 1022-1042): LKLAFIDPAT[Gly1032=]KLMDKSFSIR

ClinVar aggregate classification (germline): Likely benign (0 of 4 stars; one submission).

Conditions:
BRWD1-related disorder. Also called: BRWD1-related condition.

Allele frequency attached by ClinVar (database versions not stated): ESP Exome Variant Server 0.00169; 1000 Genomes Project 0.00220; 1000 Genomes Project 30x 0.00234.
gnomAD v4.1: 500 of 1,603,746 alleles (0.031%); highest among the groups gnomAD compares: African/African-American, 0.59%; 1 homozygote.

Submission:

PreventionGenetics, part of Exact Sciences
Classification: Likely benign for BRWD1-related condition. Last evaluated: 2019-11-11. Review status: no assertion criteria provided. Collection method: clinical testing. Allele origin: germline.
Comment: This variant is classified as likely benign based on ACMG/AMP sequence variant interpretation guidelines (Richards et al. 2015 PMID: 25741868, with internal and published modifications).